The following is an entry in ClinVar:

ClinVar aggregate classification (germline): Benign. Review status: criteria provided, multiple submitters, no conflicts (2 of 4 stars). 5 submissions from 5 submitters: Benign (3). 2 of the submissions do not count toward it. Last evaluated 2026-02-03.

Conditions:
ACACA-related disorder. Also called: ACACA-related condition.
Acetyl-CoA: carboxylase deficiency (ACACAD). Also called: ACACA DEFICIENCY; ACC1 DEFICIENCY; Acetyl-CoA carboxylase deficiency. Identifiers: MedGen C0268603, MONDO:0013493, OMIM 613933.

Allele frequency attached by ClinVar (database versions not stated): ESP Exome Variant Server 0.09726; gnomAD 0.11510 and 0.12829; TOPMed 0.11696; gnomAD exomes 0.14600 and 0.18069; ExAC 0.17686; 1000 Genomes Project 30x 0.21018; 1000 Genomes Project 0.21985.
gnomAD v4.1: 234,069 of 1,614,036 alleles (15%); highest among the groups gnomAD compares: East Asian, 42%; 21,743 homozygotes.

Submissions (5):

Labcorp Genetics (formerly Invitae), Labcorp
Classification: Benign. Last evaluated: 2026-02-03. Review status: criteria provided, single submitter. Criteria: Invitae Variant Classification Sherloc (09022015). Collection method: clinical testing. Allele origin: germline.

Genome-Nilou Lab
Classification: Benign for Acetyl-CoA: carboxylase deficiency. Last evaluated: 2021-05-18. Review status: criteria provided, single submitter. Criteria: ACMG Guidelines, 2015. Collection method: clinical testing. Allele origin: germline. Affected: no.

Breakthrough Genomics
Classification: Benign. Review status: criteria provided, single submitter. Criteria: ACMG Guidelines, 2015. Collection method: not provided. Allele origin: germline. Inheritance: Autosomal recessive inheritance. Affected: yes.

PreventionGenetics, part of Exact Sciences
Classification: Benign for ACACA-related condition. Last evaluated: 2019-10-21. Review status: no assertion criteria provided. Collection method: clinical testing. Allele origin: germline. Not counted in ClinVar's aggregate classification.
Comment: This variant is classified as benign based on ACMG/AMP sequence variant interpretation guidelines (Richards et al. 2015 PMID: 25741868, with internal and published modifications).

Mayo Clinic Laboratories, Mayo Clinic
Classification: Benign. Last evaluated: 2016-02-11. Review status: no assertion criteria provided. Collection method: clinical testing. Allele origin: unknown. Not counted in ClinVar's aggregate classification.

NM_198834.3(ACACA):c.1923G>A (p.Gln641=)

Gene: ACACA (acetyl-CoA carboxylase alpha; minus strand). Cytogenetic location: 17q12.
Variant type: single nucleotide variant.
Coding change: c.1923G>A on transcript NM_198834.3 (MANE Select); coding-DNA position 1923, G replaced by A.
Protein change: p.Gln641=; no amino-acid change (glutamine 641 retained).
Molecular consequence: synonymous variant.
Genome position (GRCh38, 1-based): chr17:37,252,940, C>T on the plus strand (G>A on the coding strand, the complement: ACACA is on the minus strand). VCF-style: chr17-37252940-C-T. GRCh37 (hg19) VCF-style: chr17-35609866-C-T.
Other names: c.1812G>A, p.Gln604= (NM_198836.3, NM_198839.3); c.1638G>A, p.Gln546= (NM_198837.2); c.1578G>A, p.Gln526= (NM_198838.2); c.1923G>A (NM_198834.2).
Identifiers: ClinVar variation 559346 (VCV000559346.20), dbSNP rs2229416, ClinGen allele CA8515710.
Genomic context (GRCh38, chr17:37,252,940, plus strand): 5'-ACACACCTGTACTTTTTCTGCTATCAGTCTGTCCAGCCAGCCAGTATCAATTCTGTTCAT[C>T]TGAAAGCTTTCAGTCTCTAACAATTTGATCAGGTATTCAACTGTAGTTCGAAAGTCACCC-3'
Protein context (NP_942131.1, residues 631-651): LIKLLETESF[Gln641=]MNRIDTGWLD